The following is an entry in ClinVar:

NM_016373.4(WWOX):c.248C>T (p.Thr83Ile)

Gene: WWOX (WW domain containing oxidoreductase; plus strand). Cytogenetic location: 16q23.1.
Variant type: single nucleotide variant.
Coding change: c.248C>T on transcript NM_016373.4 (MANE Select); coding-DNA position 248, C replaced by T.
Protein change: p.Thr83Ile; replaces threonine 83 with isoleucine.
Molecular consequence: missense variant. On other transcripts: 5 prime UTR variant (1), non-coding transcript variant (1).
Genome position (GRCh38, 1-based): chr16:78,114,993, C>T. VCF-style: chr16-78114993-C-T. GRCh37 (hg19) VCF-style: chr16-78148890-C-T.
Other names: c.-92C>T (NM_001291997.2); c.248C>T, p.Thr83Ile (NM_130791.5); short protein forms T83I.
Identifiers: ClinVar variation 654766 (VCV000654766.7), dbSNP rs751493396, ClinGen allele CA8183130.

ClinVar aggregate classification (germline): Uncertain significance (1 of 4 stars; one submission).

Conditions:
Developmental and epileptic encephalopathy, 1 (DEE1). Also called: X-linked infantile spasms; West's syndrome; Tonic spasms with clustering, arrest of psychomotor development and hypsarrhythmia on EEG; X-Linked Infantile Spasm Syndrome; INFANTILE SPASM SYNDROME, X-LINKED 1; Epileptic encephalopathy, early infantile, 1. Identifiers: MedGen C3463992, MONDO:0010632, OMIM 308350. Disease mechanism: loss of function.
Autosomal recessive spinocerebellar ataxia 12. Also called: SPINOCEREBELLAR ATAXIA WITH MENTAL RETARDATION AND EPILEPSY. Identifiers: Orphanet 284282, MedGen C3280452, MONDO:0013687, OMIM 614322.

Allele frequency attached by ClinVar (database versions not stated): gnomAD exomes below 0.00001; TOPMed below 0.00001; ExAC 0.00001.
gnomAD v4.1: 10 of 1,614,142 alleles (0.00062%); highest among the groups gnomAD compares: East Asian, 0.0022%; no homozygotes.

Submission:

Labcorp Genetics (formerly Invitae), Labcorp
Classification: Uncertain significance for Developmental and epileptic encephalopathy, 1; Autosomal recessive spinocerebellar ataxia 12. Last evaluated: 2018-07-12. Review status: criteria provided, single submitter. Criteria: Invitae Variant Classification Sherloc (09022015). Collection method: clinical testing. Allele origin: germline.
Comment: This variant has not been reported in the literature in individuals with WWOX-related disease. In summary, the available evidence is currently insufficient to determine the role of this variant in disease. Therefore, it has been classified as a Variant of Uncertain Significance. Algorithms developed to predict the effect of missense changes on protein structure and function are either unavailable or do not agree on the potential impact of this missense change (SIFT: Not Available; PolyPhen-2: "Possibly Damaging"; Align-GVGD: Not Available). This variant is present in population databases (rs751493396, ExAC 0.01%). This sequence change replaces threonine with isoleucine at codon 83 of the WWOX protein (p.Thr83Ile). The threonine residue is moderately conserved and there is a moderate physicochemical difference between threonine and isoleucine.